The following is an entry in ClinVar:

NM_006904.7(PRKDC):c.1639G>C (p.Asp547His)

Gene: PRKDC (protein kinase, DNA-activated, catalytic subunit; minus strand). Cytogenetic location: 8q11.21.
Variant type: single nucleotide variant.
Coding change: c.1639G>C on transcript NM_006904.7 (MANE Select); coding-DNA position 1639, G replaced by C.
Protein change: p.Asp547His; replaces aspartic acid 547 with histidine.
Molecular consequence: missense variant.
Genome position (GRCh38, 1-based): chr8:47,933,157, C>G on the plus strand (G>C on the coding strand, the complement: PRKDC is on the minus strand). VCF-style: chr8-47933157-C-G. GRCh37 (hg19) VCF-style: chr8-48845717-C-G.
Other names: c.1639G>C, p.Asp547His (NM_001081640.2); short protein forms D547H.
Identifiers: ClinVar variation 3425346 (VCV003425346.1).

ClinVar aggregate classification (germline): Uncertain significance (1 of 4 stars; one submission).

Submission:

Ambry Genetics
Classification: Uncertain significance. Last evaluated: 2024-10-05. Review status: criteria provided, single submitter. Criteria: Ambry Variant Classification Scheme 2023. Collection method: clinical testing. Allele origin: germline.
Comment: The p.D547H variant (also known as c.1639G>C), located in coding exon 16 of the PRKDC gene, results from a G to C substitution at nucleotide position 1639. The aspartic acid at codon 547 is replaced by histidine, an amino acid with similar properties. This amino acid position is conserved. In addition, this alteration is predicted to be tolerated by in silico analysis. Based on the available evidence, the clinical significance of this variant remains unclear.